The following is an entry in ClinVar:

ClinVar aggregate classification (germline): Uncertain significance (1 of 4 stars; one submission).

Allele frequency attached by ClinVar (database versions not stated): TOPMed 0.00001; ESP Exome Variant Server 0.00008.

Submission:

Labcorp Genetics (formerly Invitae), Labcorp
Classification: Uncertain significance. Last evaluated: 2024-08-31. Review status: criteria provided, single submitter. Criteria: Invitae Variant Classification Sherloc (09022015). Collection method: clinical testing. Allele origin: germline.
Comment: This sequence change replaces threonine, which is neutral and polar, with alanine, which is neutral and non-polar, at codon 1531 of the NIN protein (p.Thr1531Ala). This variant is not present in population databases (gnomAD no frequency). This variant has not been reported in the literature in individuals affected with NIN-related conditions. An algorithm developed to predict the effect of missense changes on protein structure and function (PolyPhen-2) suggests that this variant is likely to be disruptive. In summary, the available evidence is currently insufficient to determine the role of this variant in disease. Therefore, it has been classified as a Variant of Uncertain Significance.

NM_020921.4(NIN):c.4591A>G (p.Thr1531Ala)

Gene: NIN (ninein; minus strand). Cytogenetic location: 14q22.1.
Variant type: single nucleotide variant.
Coding change: c.4591A>G on transcript NM_020921.4 (MANE Select); coding-DNA position 4591, A replaced by G.
Protein change: p.Thr1531Ala; replaces threonine 1531 with alanine.
Molecular consequence: missense variant.
Genome position (GRCh38, 1-based): chr14:50,754,815, T>C on the plus strand (A>G on the coding strand, the complement: NIN is on the minus strand). VCF-style: chr14-50754815-T-C. GRCh37 (hg19) VCF-style: chr14-51221533-T-C.
Other names: c.2452A>G, p.Thr818Ala (NM_016350.5); c.4591A>G, p.Thr1531Ala (NM_182944.3, NM_182946.2); short protein forms T1531A, T818A.
Identifiers: ClinVar variation 2980914 (VCV002980914.3), dbSNP rs143502259, ClinGen allele CA260826637.